The following is an entry in ClinVar:

ClinVar aggregate classification (germline): Conflicting classifications of pathogenicity. Review status: criteria provided, conflicting classifications (1 of 4 stars). 4 submissions from 4 submitters: Uncertain significance (3); Likely benign (1). Last evaluated 2026-01-19.

Conditions:
Hereditary breast ovarian cancer syndrome. Also called: BRCA1- and BRCA2-Associated Hereditary Breast and Ovarian Cancer; Hereditary breast and ovarian cancer syndrome; Hereditary breast and ovarian cancer; Hereditary breast and ovarian cancer syndrome (HBOC); Breast and ovarian cancer; Hereditary breast and/or ovarian cancer syndrome. Identifiers: Orphanet 145, MedGen C0677776, MeSH D061325, MONDO:0003582. Disease mechanism: loss of function.
Hereditary cancer-predisposing syndrome. Also called: Hereditary neoplastic syndrome; Hereditary Cancer Syndrome; Neoplastic Syndromes, Hereditary; Tumor predisposition. Identifiers: Orphanet 140162, MedGen C0027672, MeSH D009386, MONDO:0015356.

Allele frequency attached by ClinVar (database versions not stated): gnomAD exomes below 0.00001.
gnomAD v4.1: 1 of 1,613,958 alleles (0.000062%); highest among the groups gnomAD compares: Non-Finnish European, 0.000085%; no homozygotes.

Submissions (4):

Labcorp Genetics (formerly Invitae), Labcorp
Classification: Uncertain significance for Hereditary breast ovarian cancer syndrome. Last evaluated: 2026-01-19. Review status: criteria provided, single submitter. Criteria: Invitae Variant Classification Sherloc (09022015). Collection method: clinical testing. Allele origin: germline.
Comment: This sequence change replaces serine, which is neutral and polar, with threonine, which is neutral and polar, at codon 1554 of the BRCA2 protein (p.Ser1554Thr). This variant is not present in population databases (gnomAD no frequency). This variant has not been reported in the literature in individuals affected with BRCA2-related conditions. ClinVar contains an entry for this variant (Variation ID: 234801). Invitae Evidence Modeling of protein sequence and biophysical properties (such as structural, functional, and spatial information, amino acid conservation, physicochemical variation, residue mobility, and thermodynamic stability) indicates that this missense variant is not expected to disrupt BRCA2 protein function with a negative predictive value of 95%. In summary, the available evidence is currently insufficient to determine the role of this variant in disease. Therefore, it has been classified as a Variant of Uncertain Significance.

Ambry Genetics
Classification: Uncertain significance for Hereditary cancer-predisposing syndrome. Last evaluated: 2025-12-10. Review status: criteria provided, single submitter. Criteria: Ambry Variant Classification Scheme 2023. Collection method: clinical testing. Allele origin: germline.
Comment: The p.S1554T variant (also known as c.4661G>C), located in coding exon 10 of the BRCA2 gene, results from a G to C substitution at nucleotide position 4661. The serine at codon 1554 is replaced by threonine, an amino acid with similar properties. This amino acid position is conserved. In addition, this alteration is predicted to be tolerated by in silico analysis. Based on the available evidence, the clinical significance of this variant remains unclear.

University of Washington Department of Laboratory Medicine, University of Washington
Classification: Likely benign for Hereditary cancer-predisposing syndrome. Last evaluated: 2023-03-23. Review status: criteria provided, single submitter. Criteria: Dines et al. (Genet Med. 2020). Collection method: curation. Allele origin: germline.
Comment: Missense variant in a coldspot region where missense variants are very unlikely to be pathogenic (PMID:31911673).

BRCA2 exon 11 coldspot. Reclassification based on statistical prior probability.

GeneDx
Classification: Uncertain significance. Last evaluated: 2016-01-28. Review status: criteria provided, single submitter. Criteria: GeneDx Variant Classification (06012015). Collection method: clinical testing. Allele origin: germline. Affected: yes.
Comment: This variant is denoted BRCA2 c.4661G>C at the cDNA level, p.Ser1554Thr (S1554T) at the protein level, and results in the change of a Serine to a Threonine (AGT>ACT). Using alternate nomenclature, this variant would be defined as BRCA2 4889G>C. This variant has not, to our knowledge, been published in the literature as pathogenic or benign. BRCA2 Ser1554Thr was not observed in approximately 6,500 individuals of European and African American ancestry in the NHLBI Exome Sequencing Project, suggesting it is not a common benign variant in these populations. Since Serine and Threonine share similar properties, this is considered a conservative amino acid substitution. BRCA2 Ser1554Thr occurs at a position that is not conserved and is located within the region required for stimulation of POLH DNA polymerization activity (UniProt). In silico analyses predict that this variant is unlikely to alter protein structure or function. Based on currently available evidence, it is unclear whether BRCA2 Ser1554Thr is a pathogenic or benign variant. We consider it to be a variant of uncertain significance.

NM_000059.4(BRCA2):c.4661G>C (p.Ser1554Thr)

Gene: BRCA2 (BRCA2 DNA repair associated; plus strand). Cytogenetic location: 13q13.1.
Variant type: single nucleotide variant.
Coding change: c.4661G>C on transcript NM_000059.4 (MANE Select); coding-DNA position 4661, G replaced by C.
Protein change: p.Ser1554Thr; replaces serine 1554 with threonine.
Molecular consequence: missense variant.
Genome position (GRCh38, 1-based): chr13:32,339,016, G>C. VCF-style: chr13-32339016-G-C. GRCh37 (hg19) VCF-style: chr13-32913153-G-C.
Other names: short protein forms S1554T.
Identifiers: ClinVar variation 234801 (VCV000234801.15), dbSNP rs876661225, ClinGen allele CA10577474.